The following is an entry in ClinVar:

ClinVar aggregate classification (germline): Pathogenic (1 of 4 stars; one submission).

Submission:

Labcorp Genetics (formerly Invitae), Labcorp
Classification: Pathogenic. Last evaluated: 2022-05-29. Review status: criteria provided, single submitter. Criteria: Invitae Variant Classification Sherloc (09022015). Collection method: clinical testing. Allele origin: germline.
Comment: For these reasons, this variant has been classified as Pathogenic. This variant has not been reported in the literature in individuals affected with LOXHD1-related conditions. This variant is not present in population databases (gnomAD no frequency). This sequence change creates a premature translational stop signal (p.Leu1312Serfs*53) in the LOXHD1 gene. It is expected to result in an absent or disrupted protein product. Loss-of-function variants in LOXHD1 are known to be pathogenic (PMID: 19732867, 21465660, 25792669).

Literature cited by the submitters: PubMed 19732867; PubMed 21465660; PubMed 25792669.

NM_001384474.1(LOXHD1):c.3934del (p.Leu1312fs)

Gene: LOXHD1 (lipoxygenase homology PLAT domains 1; minus strand). Cytogenetic location: 18q21.1.
Variant type: Deletion.
Coding change: c.3934del on transcript NM_001384474.1 (MANE Select); coding-DNA position 3934, one base deleted (C; older notation c.3934delC).
Protein change: p.Leu1312fs; shifts the reading frame from leucine 1312.
Molecular consequence: frameshift variant.
Genome position (GRCh38, 1-based): chr18:46,538,317, G deleted on the plus strand (C on the coding strand, the reverse complement: LOXHD1 is on the minus strand); the first of 3 consecutive G bases (chr18:46,538,317-46,538,319); deleting any one gives the same sequence. VCF-style (leftmost placement, unchanged base first): chr18-46538316-AG-A. GRCh37 (hg19) VCF-style: chr18-44118279-AG-A.
Other names: c.601del, p.Leu201fs (NM_001145472.3); c.313del, p.Leu105fs (NM_001308013.2); c.3934del, p.Leu1312fs (NM_144612.7); short protein forms L105fs, L1312fs, L201fs.
Identifiers: ClinVar variation 2000359 (VCV002000359.4), dbSNP rs2511694133, ClinGen allele CA2580095731.